The following is an entry in ClinVar:

NM_004360.5(CDH1):c.2643C>T (p.Asp881=)

Gene: CDH1 (cadherin 1; plus strand). Cytogenetic location: 16q22.1.
Variant type: single nucleotide variant.
Coding change: c.2643C>T on transcript NM_004360.5 (MANE Select); coding-DNA position 2643, C replaced by T.
Protein change: p.Asp881=; no amino-acid change (aspartic acid 881 retained).
Molecular consequence: synonymous variant.
Genome position (GRCh38, 1-based): chr16:68,833,493, C>T. VCF-style: chr16-68833493-C-T. GRCh37 (hg19) VCF-style: chr16-68867396-C-T.
Other names: c.2643C>T (LRG_301t1); c.2460C>T, p.Asp820= (NM_001317184.2); c.1095C>T, p.Asp365= (NM_001317185.2); c.678C>T, p.Asp226= (NM_001317186.2).
Identifiers: ClinVar variation 183778 (VCV000183778.24), dbSNP rs114708971, ClinGen allele CA186443.

ClinVar aggregate classification (germline): Benign/Likely benign. Review status: criteria provided, multiple submitters, no conflicts (2 of 4 stars). 8 submissions from 8 submitters: Benign (3); Likely benign (4). 1 of the submissions does not count toward it. Last evaluated 2026-01-27.

Conditions:
Hereditary cancer-predisposing syndrome. Also called: Tumor predisposition; Hereditary Cancer Syndrome; Hereditary neoplastic syndrome; Neoplastic Syndromes, Hereditary. Identifiers: Orphanet 140162, MedGen C0027672, MeSH D009386, MONDO:0015356.
Hereditary diffuse gastric adenocarcinoma (HDGC). Also called: DIFFUSE GASTRIC AND LOBULAR BREAST CANCER SYNDROME. Identifiers: Orphanet 26106, MedGen C1708349, MONDO:0007648, OMIM 137215.
Malignant tumor of breast. Also called: Cancer breast; Malignant breast neoplasm. Identifiers: MedGen C0006142, MONDO:0007254. Disease mechanism: loss of function.

Allele frequency attached by ClinVar (database versions not stated): gnomAD exomes 0.00005 and 0.00007; ExAC 0.00006; TOPMed 0.00008; gnomAD 0.00009 and 0.00011; ESP Exome Variant Server 0.00023.

Submissions (8):

Labcorp Genetics (formerly Invitae), Labcorp
Classification: Likely benign for Hereditary diffuse gastric adenocarcinoma. Last evaluated: 2026-01-27. Review status: criteria provided, single submitter. Criteria: Invitae Variant Classification Sherloc (09022015). Collection method: clinical testing. Allele origin: germline.

Myriad Genetics, Inc.
Classification: Benign for Hereditary diffuse gastric adenocarcinoma. Last evaluated: 2024-09-24. Review status: criteria provided, single submitter. Criteria: Myriad Autosomal Dominant, Autosomal Recessive and X-Linked Classification Criteria (2023). Collection method: clinical testing. Allele origin: unknown.
Comment: This variant is considered benign. This variant is a silent/synonymous amino acid change and it is not expected to impact splicing.

Women's Health and Genetics/Laboratory Corporation of America, LabCorp
Classification: Benign. Last evaluated: 2023-06-10. Review status: criteria provided, single submitter. Criteria: LabCorp Variant Classification Summary - May 2015. Collection method: clinical testing. Allele origin: germline.

Genetic Services Laboratory, University of Chicago
Classification: Likely benign. Last evaluated: 2021-02-02. Review status: criteria provided, single submitter. Criteria: ACMG Guidelines, 2015. Collection method: clinical testing. Allele origin: germline. Affected: no.

Color Diagnostics, LLC DBA Color Health
Classification: Likely benign for Hereditary cancer-predisposing syndrome. Last evaluated: 2016-02-25. Review status: criteria provided, single submitter. Criteria: ACMG Guidelines, 2015. Collection method: clinical testing. Allele origin: germline.

GeneDx
Classification: Benign. Last evaluated: 2015-04-15. Review status: criteria provided, single submitter. Criteria: GeneDx Variant Classification (06012015). Collection method: clinical testing. Allele origin: germline. Affected: yes.
Comment: This variant is considered likely benign or benign based on one or more of the following criteria: it is a conservative change, it occurs at a poorly conserved position in the protein, it is predicted to be benign by multiple in silico algorithms, and/or has population frequency not consistent with disease.

Ambry Genetics
Classification: Likely benign for Hereditary cancer-predisposing syndrome. Last evaluated: 2014-10-16. Review status: criteria provided, single submitter. Criteria: Ambry Variant Classification Scheme 2023. Collection method: clinical testing. Allele origin: germline.

Department of Pathology and Laboratory Medicine, Sinai Health System
Classification: Likely benign for Malignant tumor of breast. Review status: no assertion criteria provided. Collection method: clinical testing. Allele origin: unknown. Affected: yes. Study: The Canadian Open Genetics Repository (COGR). Not counted in ClinVar's aggregate classification.
Comment: The CDH1 p.Asp881= variant was not identified in the literature nor was it identified in the Zhejiang University database. The variant was identified in dbSNP (ID: rs114708971) as "With Likely benign allele" , ClinVar (classified as benign by GeneDx; as likely benign by Ambry Genetics, Invitae and Color Genomics), and in Cosmic (1x in bone tissue) databases. The variant was identified in control databases in 19 of 277124 chromosomes at a frequency of 0.0001 (Genome Aggregation Database Feb 27, 2017). Breakdown of the observations by population include African in 6 of 24030 chromosomes (freq: 0.0003), Other in 1 of 6466 chromosomes (freq: 0.0002), Latino in 3 of 34418 chromosomes (freq: 0.0001), European in 8 of 126640 chromosomes (freq: 0.0001), and South Asian in 1 of 30782 chromosomes (freq: 0.00003), while the variant was not observed in the Ashkenazi Jewish, East Asian, and Finnish populations. The p.Asp881= variant is not expected to have clinical significance because it does not result in a change of amino acid and is not located in a known consensus splice site. In addition, in silico or computational prediction software programs (SpliceSiteFinder, MaxEntScan, NNSPLICE, GeneSplicer, HumanSpliceFinder) do not predict a difference in splicing. In summary, based on the above information the clinical significance of this variant cannot be determined with certainty at this time although we would lean towards a more benign role for this variant. This variant is classified as likely benign.